The following is an entry in ClinVar:

NM_001042424.3(NSD2):c.331C>T (p.Pro111Ser)

Gene: NSD2 (nuclear receptor binding SET domain protein 2; plus strand). Cytogenetic location: 4p16.3.
Variant type: single nucleotide variant.
Coding change: c.331C>T on transcript NM_001042424.3 (MANE Select); coding-DNA position 331, C replaced by T.
Protein change: p.Pro111Ser; replaces proline 111 with serine.
Molecular consequence: missense variant.
Genome position (GRCh38, 1-based): chr4:1,900,985, C>T. VCF-style: chr4-1900985-C-T. GRCh37 (hg19) VCF-style: chr4-1902712-C-T.
Other names: c.331C>T, p.Pro111Ser (NM_007331.2, NM_133330.3, NM_133331.3 and 2 more transcripts); short protein forms P111S.
Identifiers: ClinVar variation 1683419 (VCV001683419.1), dbSNP rs541714722, ClinGen allele CA355991718.

ClinVar aggregate classification (germline): Uncertain significance (1 of 4 stars; one submission).

Submission:

Women's Health and Genetics/Laboratory Corporation of America, LabCorp
Classification: Uncertain significance. Last evaluated: 2022-03-25. Review status: criteria provided, single submitter. Criteria: LabCorp Variant Classification Summary - May 2015. Collection method: clinical testing. Allele origin: germline.
Comment: Variant summary: WHSC1 (also known as NSD2) c.331C>T (p.Pro111Ser) results in a non-conservative amino acid change in the encoded protein sequence. Five of five in-silico tools predict a damaging effect of the variant on protein function. The variant was absent in 251430 control chromosomes (gnomAD). The available data on variant occurrences in the general population are insufficient to allow any conclusion about variant significance. To our knowledge, no occurrence of c.331C>T in individuals affected with Rauch-Steindl Syndrome and no experimental evidence demonstrating its impact on protein function have been reported. No clinical diagnostic laboratories have submitted clinical-significance assessments for this variant to ClinVar after 2014. Based on the evidence outlined above, the variant was classified as uncertain significance.